The following is an entry in ClinVar:

ClinVar aggregate classification (germline): Uncertain significance (1 of 4 stars; one submission).

Submission:

GeneDx
Classification: Uncertain significance. Last evaluated: 2025-03-25. Review status: criteria provided, single submitter. Criteria: GeneDx Variant Classification Process June 2021. Collection method: clinical testing. Allele origin: germline. Affected: yes.
Comment: Not observed at significant frequency in large population cohorts (gnomAD); In silico analysis supports that this missense variant has a deleterious effect on protein structure/function; Has not been previously published as pathogenic or benign to our knowledge

NM_021815.5(SLC5A7):c.447G>T (p.Leu149Phe)

Gene: SLC5A7 (solute carrier family 5 member 7; plus strand). Cytogenetic location: 2q12.3.
Variant type: single nucleotide variant.
Coding change: c.447G>T on transcript NM_021815.5 (MANE Select); coding-DNA position 447, G replaced by T.
Protein change: p.Leu149Phe; replaces leucine 149 with phenylalanine.
Molecular consequence: missense variant. On other transcripts: 5 prime UTR variant (1).
Genome position (GRCh38, 1-based): chr2:107,993,126, G>T. VCF-style: chr2-107993126-G-T. GRCh37 (hg19) VCF-style: chr2-108609582-G-T.
Other names: c.447G>T, p.Leu149Phe (NM_001305005.3); c.132G>T, p.Leu44Phe (NM_001305006.3); c.-258G>T (NM_001305007.3); short protein forms L149F, L44F.
Identifiers: ClinVar variation 4087970 (VCV004087970.1).